The following is an entry in ClinVar:

ClinVar aggregate classification (germline): Conflicting classifications of pathogenicity. Review status: criteria provided, conflicting classifications (1 of 4 stars). 3 submissions from 3 submitters: Uncertain significance (2); Benign (1). Last evaluated 2024-02-27.

Conditions:
Tuberous sclerosis syndrome (TSC). Also called: Tuberous Sclerosis Complex; Tuberous sclerosis. Identifiers: Orphanet 805, MedGen C0041341, MONDO:0001734.
Tuberous sclerosis 2 (TSC2). Identifiers: Orphanet 805, MedGen C1860707, MONDO:0013199, OMIM 613254.
Hereditary cancer-predisposing syndrome. Also called: Neoplastic Syndromes, Hereditary; Hereditary neoplastic syndrome; Hereditary Cancer Syndrome; Tumor predisposition. Identifiers: Orphanet 140162, MedGen C0027672, MeSH D009386, MONDO:0015356.

Allele frequency attached by ClinVar (database versions not stated): gnomAD exomes below 0.00001; ExAC 0.00001.

Submissions (3):

Ambry Genetics
Classification: Uncertain significance for Hereditary cancer-predisposing syndrome. Last evaluated: 2024-02-27. Review status: criteria provided, single submitter. Criteria: Ambry Variant Classification Scheme 2023. Collection method: clinical testing. Allele origin: germline.
Comment: The p.S1454I variant (also known as c.4361G>T), located in coding exon 33 of the TSC2 gene, results from a G to T substitution at nucleotide position 4361. The serine at codon 1454 is replaced by isoleucine, an amino acid with dissimilar properties. This amino acid position is not well conserved in available vertebrate species. In addition, the in silico prediction for this alteration is inconclusive. Since supporting evidence is limited at this time, the clinical significance of this alteration remains unclear.

All of Us Research Program, National Institutes of Health
Classification: Uncertain significance for Tuberous sclerosis syndrome. Last evaluated: 2024-01-11. Review status: criteria provided, single submitter. Criteria: ACMG Guidelines, 2015. Collection method: clinical testing. Allele origin: germline. Inheritance: Autosomal dominant inheritance. Observed: 2 variant alleles, 2 heterozygotes.
Comment: This study involves interpretation of variants in research participants for the purpose of population health screening. Participant phenotype was not available at the time of variant classification. Additional details can be found in publication PMID: 35346344, PMCID: PMC8962531

Labcorp Genetics (formerly Invitae), Labcorp
Classification: Benign for Tuberous sclerosis 2. Last evaluated: 2022-12-06. Review status: criteria provided, single submitter. Criteria: Invitae Variant Classification Sherloc (09022015). Collection method: clinical testing. Allele origin: germline.

NM_000548.5(TSC2):c.4361G>T (p.Ser1454Ile)

Gene: TSC2 (TSC complex subunit 2; plus strand). Cytogenetic location: 16p13.3.
Variant type: single nucleotide variant.
Coding change: c.4361G>T on transcript NM_000548.5 (MANE Select); coding-DNA position 4361, G replaced by T.
Protein change: p.Ser1454Ile; replaces serine 1454 with isoleucine.
Molecular consequence: missense variant.
Genome position (GRCh38, 1-based): chr16:2,084,583, G>T. VCF-style: chr16-2084583-G-T. GRCh37 (hg19) VCF-style: chr16-2134584-G-T.
Other names: c.4193G>T, p.Ser1398Ile (NM_001318832.2); c.4163G>T, p.Ser1388Ile (NM_001363528.2); c.4229G>T, p.Ser1410Ile (NM_001370404.1); c.4232G>T, p.Ser1411Ile (NM_001370405.1, NM_021055.3); c.4160G>T, p.Ser1387Ile (NM_001077183.3); c.4292G>T, p.Ser1431Ile (NM_001114382.3); c.4052G>T, p.Ser1351Ile (NM_001318827.2); c.4016G>T, p.Ser1339Ile (NM_001318829.2); and 1 more; short protein forms S1210I, S1339I, S1351I, S1387I, S1388I, S1398I, S1410I, S1411I.
Identifiers: ClinVar variation 999023 (VCV000999023.12), dbSNP rs758233186, ClinGen allele CA050988.